The following is an entry in ClinVar:

ClinVar aggregate classification (germline): Uncertain significance (1 of 4 stars; one submission).

gnomAD v4.1: 14 of 1,211,506 alleles (0.0012%); highest among the groups gnomAD compares: Non-Finnish European, 0.0016%; no homozygotes.

Submission:

Labcorp Genetics (formerly Invitae), Labcorp
Classification: Uncertain significance. Last evaluated: 2026-01-28. Review status: criteria provided, single submitter. Criteria: Invitae Variant Classification Sherloc (09022015). Collection method: clinical testing. Allele origin: germline.
Comment: This sequence change replaces valine, which is neutral and non-polar, with glycine, which is neutral and non-polar, at codon 445 of the DRP2 protein (p.Val445Gly). This variant is not present in population databases (gnomAD no frequency). This variant has not been reported in the literature in individuals affected with DRP2-related conditions. ClinVar contains an entry for this variant (Variation ID: 3691058). Invitae Evidence Modeling of protein sequence and biophysical properties (such as structural, functional, and spatial information, amino acid conservation, physicochemical variation, residue mobility, and thermodynamic stability) indicates that this missense variant is not expected to disrupt DRP2 protein function with a negative predictive value of 80%. In summary, the available evidence is currently insufficient to determine the role of this variant in disease. Therefore, it has been classified as a Variant of Uncertain Significance.

NM_001939.3(DRP2):c.1334T>G (p.Val445Gly)

Gene: DRP2 (dystrophin related protein 2; plus strand). Cytogenetic location: Xq22.1.
Variant type: single nucleotide variant.
Coding change: c.1334T>G on transcript NM_001939.3 (MANE Select); coding-DNA position 1334, T replaced by G.
Protein change: p.Val445Gly; replaces valine 445 with glycine.
Molecular consequence: missense variant.
Genome position (GRCh38, 1-based): chrX:101,248,170, T>G. VCF-style: chrX-101248170-T-G. GRCh37 (hg19) VCF-style: chrX-100503159-T-G.
Other names: c.1100T>G, p.Val367Gly (NM_001171184.2); short protein forms V367G, V445G.
Identifiers: ClinVar variation 3691058 (VCV003691058.2).